The following is an entry in ClinVar:

ClinVar aggregate classification (germline): Likely benign. Review status: criteria provided, multiple submitters, no conflicts (2 of 4 stars). 3 submissions from 3 submitters: Likely benign (2). 1 of the submissions does not count toward it. Last evaluated 2025-08-22.

Conditions:
CHD7-related disorder. Also called: CHD7-related condition.
CHARGE syndrome (CHARGE). Also called: Coloboma, heart anomaly, choanal atresia, retardation, genital and ear anomalies; CHARGE association; Hall-Hittner syndrome; Hittner Hirsch Kreh syndrome; CHARGE ASSOCIATION--COLOBOMA, HEART ANOMALY, CHOANAL ATRESIA, RETARDATION, GENITAL AND EAR ANOMALIES. Identifiers: Orphanet 138, MedGen C0265354, MONDO:0008965.

Allele frequency attached by ClinVar (database versions not stated): gnomAD exomes 0.00003 and 0.00004; ExAC 0.00004; gnomAD 0.00004 and 0.00005; TOPMed 0.00006; ESP Exome Variant Server 0.00008; 1000 Genomes Project 0.00020; 1000 Genomes Project 30x 0.00031.
gnomAD v4.1: 53 of 1,593,066 alleles (0.0033%); highest among the groups gnomAD compares: African/African-American, 0.017%; 1 homozygote.

Submissions (4):

Labcorp Genetics (formerly Invitae), Labcorp
Classification: Likely benign for CHARGE syndrome. Last evaluated: 2025-08-22. Review status: criteria provided, single submitter. Criteria: Invitae Variant Classification Sherloc (09022015). Collection method: clinical testing. Allele origin: germline.

Blueprint Genetics
Classification: Likely benign. Last evaluated: 2023-10-13. Review status: criteria provided, single submitter. Criteria: ACMG Guidelines, 2015. Collection method: clinical testing. Allele origin: germline.

PreventionGenetics, part of Exact Sciences
Classification: Likely benign for CHD7-related condition. Last evaluated: 2021-06-15. Review status: no assertion criteria provided. Collection method: clinical testing. Allele origin: germline. Not counted in ClinVar's aggregate classification.
Comment: This variant is classified as likely benign based on ACMG/AMP sequence variant interpretation guidelines (Richards et al. 2015 PMID: 25741868, with internal and published modifications).

Dr. Peter K. Rogan Lab, Western University
No classification provided (evidence only). Condition: Familial cancer of breast. Review status: no classification provided. Collection method: in vitro. Allele origin: not applicable. Functional consequence: retained intron. Not counted in ClinVar's aggregate classification.

NM_017780.4(CHD7):c.5405-18C>T

Gene: CHD7 (chromodomain helicase DNA binding protein 7; plus strand). Cytogenetic location: 8q12.2.
Variant type: single nucleotide variant.
Coding change: c.5405-18C>T on transcript NM_017780.4 (MANE Select); 18 bases into the intron before coding-DNA position 5405, C replaced by T.
Molecular consequence: intron variant.
Genome position (GRCh38, 1-based): chr8:60,850,475, C>T. VCF-style: chr8-60850475-C-T. GRCh37 (hg19) VCF-style: chr8-61763034-C-T.
Other names: c.1717-11754C>T (NM_001316690.1); c.5405-18C>T (NM_017780.3).
Identifiers: ClinVar variation 1586380 (VCV001586380.12), dbSNP rs199981784, ClinGen allele CA4760365.